The following is an entry in ClinVar:

NM_001083619.3(GRIA2):c.2491G>C (p.Ala831Pro)

Gene: GRIA2 (glutamate ionotropic receptor AMPA type subunit 2; plus strand). Cytogenetic location: 4q32.1.
Variant type: single nucleotide variant.
Coding change: c.2491G>C on transcript NM_001083619.3 (MANE Select); coding-DNA position 2491, G replaced by C.
Protein change: p.Ala831Pro; replaces alanine 831 with proline.
Molecular consequence: missense variant.
Genome position (GRCh38, 1-based): chr4:157,362,883, G>C. VCF-style: chr4-157362883-G-C. GRCh37 (hg19) VCF-style: chr4-158284035-G-C.
Other names: c.2491G>C, p.Ala831Pro (NM_000826.6); c.2350G>C, p.Ala784Pro (NM_001083620.3, NM_001379000.3, NM_001379001.3); short protein forms A784P, A831P.
Identifiers: ClinVar variation 1805142 (VCV001805142.1), dbSNP rs2530865612, ClinGen allele CA358651084.

ClinVar aggregate classification (germline): Uncertain significance (1 of 4 stars; one submission).

Conditions:
Neurodevelopmental disorder with language impairment and behavioral abnormalities. Also called: GRIA2-related neurodevelopmental disorder. Identifiers: MedGen C5394502, MONDO:0030060, OMIM 618917.

Submission:

Victorian Clinical Genetics Services, Murdoch Childrens Research Institute
Classification: Uncertain significance for Neurodevelopmental disorder with language impairment and behavioral abnormalities. Last evaluated: 2022-02-02. Review status: criteria provided, single submitter. Criteria: ACMG Guidelines, 2015. Collection method: clinical testing. Allele origin: germline. Inheritance: Autosomal dominant inheritance. Affected: yes.
Comment: Based on the classification scheme VCGS_Germline_v1.3.4, this variant is classified as VUS-3B. Following criteria are met: 0102 - Loss of function is a known mechanism of disease in this gene and is associated with neurodevelopmental disorder with language impairment and behavioural abnormalities (MIM#618917). Gain of function has also been suggested as the mechanism of disease for one missense variant (PMID: 31300657). (I) 0107 - This gene is associated with autosomal dominant disease. (I) 0200 - Variant is predicted to result in a missense amino acid change from alanine to proline. (I) 0251 - This variant is heterozygous. (I) 0301 - Variant is absent from gnomAD (both v2 and v3). (SP) 0502 - Missense variant with conflicting in silico predictions and uninformative conservation. (I) 0604 - Variant is not located in an established domain, motif, hotspot or informative constraint region. (I) 0705 - No comparable missense variants have previous evidence for pathogenicity. (I) 0807 - This variant has no previous evidence of pathogenicity. (I) 0905 - No published segregation evidence has been identified for this variant. (I) 1007 - No published functional evidence has been identified for this variant. (I) 1208 - Inheritance information for this variant is not currently available in this individual. (I) Legend: (SP) - Supporting pathogenic, (I) - Information, (SB) - Supporting benign

Literature cited by the submitters: PubMed 31300657.